The following is an entry in ClinVar:

NM_201384.3(PLEC):c.3841G>T (p.Asp1281Tyr)

Gene: PLEC (plectin; minus strand). Cytogenetic location: 8q24.3.
Variant type: single nucleotide variant.
Coding change: c.3841G>T on transcript NM_201384.3 (MANE Select); coding-DNA position 3841, G replaced by T.
Protein change: p.Asp1281Tyr; replaces aspartic acid 1281 with tyrosine.
Molecular consequence: missense variant.
Genome position (GRCh38, 1-based): chr8:143,927,081, C>A on the plus strand (G>T on the coding strand, the complement: PLEC is on the minus strand). VCF-style: chr8-143927081-C-A. GRCh37 (hg19) VCF-style: chr8-145001249-C-A.
Other names: c.3922G>T, p.Asp1308Tyr (NM_000445.5); c.3799G>T, p.Asp1267Tyr (NM_201378.4); c.3775G>T, p.Asp1259Tyr (NM_201379.3); c.4252G>T, p.Asp1418Tyr (NM_201380.4); c.3745G>T, p.Asp1249Tyr (NM_201381.3); c.3841G>T, p.Asp1281Tyr (NM_201382.4); c.3853G>T, p.Asp1285Tyr (NM_201383.3); c.3922G>T (NM_000445.3); short protein forms D1281Y, D1308Y, D1249Y, D1267Y, D1285Y, D1259Y, D1418Y.
Identifiers: ClinVar variation 573943 (VCV000573943.17), dbSNP rs781967540, ClinGen allele CA4926880.

ClinVar aggregate classification (germline): Uncertain significance. Review status: criteria provided, multiple submitters, no conflicts (2 of 4 stars). 5 submissions from 5 submitters: Uncertain significance (5). Last evaluated 2025-07-15.

Conditions:
Autosomal recessive limb-girdle muscular dystrophy type 2Q (LGMDR17). Also called: MUSCULAR DYSTROPHY, LIMB-GIRDLE, AUTOSOMAL RECESSIVE 17. Identifiers: Orphanet 254361, MedGen C3150989, MONDO:0013390, OMIM 613723.
Epidermolysis bullosa simplex 5B, with muscular dystrophy (EBS5B). Also called: Epidermolysis bullosa simplex with muscular dystrophy; EPIDERMOLYSIS BULLOSA SIMPLEX AND LIMB-GIRDLE MUSCULAR DYSTROPHY. Identifiers: Orphanet 257, MedGen C2931072, MONDO:0009181, OMIM 226670.
Epidermolysis bullosa simplex, Ogna type (EBS5A). Also called: EPIDERMOLYSIS BULLOSA SIMPLEX 5A, OGNA TYPE; Pidermolysis bullosa simplex 5A, Ogna type. Identifiers: Orphanet 79401, MedGen C0432317, MONDO:0007555, OMIM 131950.
Epidermolysis bullosa simplex 5C, with pyloric atresia (EBS5C). Also called: PLEC-Related Epidermolysis Bullosa with Pyloric Atresia; Epidermolysis bullosa simplex with pyloric atresia; PLEC1-Related Epidermolysis Bullosa with Pyloric Atresia. Identifiers: Orphanet 158684, MedGen C2677349, MONDO:0012807, OMIM 612138.
Epidermolysis bullosa simplex with nail dystrophy (EBS5D). Identifiers: MedGen C4225309, MONDO:0014661, OMIM 616487.
Inborn genetic diseases. Identifiers: MedGen C0950123, MeSH D030342.

Allele frequency attached by ClinVar (database versions not stated): gnomAD 0.00001; gnomAD exomes 0.00002 and 0.00003; TOPMed 0.00002; ExAC 0.00003.
gnomAD v4.1: 20 of 1,610,032 alleles (0.0012%); highest among the groups gnomAD compares: Non-Finnish European, 0.0017%; no homozygotes.

Submissions (5):

Ambry Genetics
Classification: Uncertain significance for Inborn genetic diseases. Last evaluated: 2025-07-15. Review status: criteria provided, single submitter. Criteria: Ambry Variant Classification Scheme 2023. Collection method: clinical testing. Allele origin: germline.

Labcorp Genetics (formerly Invitae), Labcorp
Classification: Uncertain significance for Autosomal recessive limb-girdle muscular dystrophy type 2Q; Epidermolysis bullosa simplex, Ogna type; Epidermolysis bullosa simplex with nail dystrophy; Epidermolysis bullosa simplex 5C, with pyloric atresia; Epidermolysis bullosa simplex 5B, with muscular dystrophy. Last evaluated: 2025-03-24. Review status: criteria provided, single submitter. Criteria: Invitae Variant Classification Sherloc (09022015). Collection method: clinical testing. Allele origin: germline.
Comment: This sequence change replaces aspartic acid, which is acidic and polar, with tyrosine, which is neutral and polar, at codon 1308 of the PLEC protein (p.Asp1308Tyr). This variant is present in population databases (rs781967540, gnomAD 0.007%). This variant has not been reported in the literature in individuals affected with PLEC-related conditions. ClinVar contains an entry for this variant (Variation ID: 573943). Experimental studies and prediction algorithms are not available or were not evaluated, and the functional significance of this variant is currently unknown. In summary, the available evidence is currently insufficient to determine the role of this variant in disease. Therefore, it has been classified as a Variant of Uncertain Significance.

Blueprint Genetics
Classification: Uncertain significance. Last evaluated: 2024-10-14. Review status: criteria provided, single submitter. Criteria: ACMG Guidelines, 2015. Collection method: clinical testing. Allele origin: germline.

Revvity Omics, Revvity
Classification: Uncertain significance. Last evaluated: 2023-09-27. Review status: criteria provided, single submitter. Criteria: ACMG Guidelines, 2015. Collection method: clinical testing. Allele origin: germline.

Eurofins Ntd Llc (ga)
Classification: Uncertain significance. Last evaluated: 2018-04-13. Review status: criteria provided, single submitter. Criteria: EGL ClinVar v180209 classification definitions. Collection method: clinical testing. Allele origin: germline. Observed: 1 variant allele, 1 heterozygote.